The following is an entry in ClinVar:

NM_152559.3(METTL27):c.330C>A (p.Gly110=)

Gene: METTL27 (methyltransferase like 27; minus strand). Cytogenetic location: 7q11.23.
Variant type: single nucleotide variant.
Coding change: c.330C>A on transcript NM_152559.3 (MANE Select); coding-DNA position 330, C replaced by A.
Protein change: p.Gly110=; no amino-acid change (glycine 110 retained).
Molecular consequence: synonymous variant.
Genome position (GRCh38, 1-based): chr7:73,840,472, G>T on the plus strand (C>A on the coding strand, the complement: METTL27 is on the minus strand). VCF-style: chr7-73840472-G-T. GRCh37 (hg19) VCF-style: chr7-73254802-G-T.
Identifiers: ClinVar variation 3771363 (VCV003771363.13).

ClinVar aggregate classification (germline): Likely benign (1 of 4 stars; one submission).

gnomAD v4.1: 10 of 1,608,296 alleles (0.00062%); highest among the groups gnomAD compares: East Asian, 0.0045%; no homozygotes.

Submission:

CeGaT Center for Human Genetics Tuebingen
Classification: Likely benign. Last evaluated: 2025-02-01. Review status: criteria provided, single submitter. Criteria: CeGaT Center For Human Genetics Tuebingen Variant Classification Criteria Version 2. Collection method: clinical testing. Allele origin: germline. Affected: yes. Observed: 1 variant allele.
Comment: METTL27: BP4, BP7